The following is an entry in ClinVar:

NM_001868.4(CPA1):c.709C>T (p.Arg237Cys)

Gene: CPA1 (carboxypeptidase A1; plus strand). Cytogenetic location: 7q32.2.
Variant type: single nucleotide variant.
Coding change: c.709C>T on transcript NM_001868.4 (MANE Select); coding-DNA position 709, C replaced by T.
Protein change: p.Arg237Cys; replaces arginine 237 with cysteine.
Molecular consequence: missense variant.
Genome position (GRCh38, 1-based): chr7:130,384,548, C>T. VCF-style: chr7-130384548-C-T. GRCh37 (hg19) VCF-style: chr7-130024389-C-T.
Other names: short protein forms R237C.
Identifiers: ClinVar variation 956624 (VCV000956624.12), dbSNP rs184981267, ClinGen allele CA4484918.

ClinVar aggregate classification (germline): Uncertain significance. Review status: criteria provided, multiple submitters, no conflicts (2 of 4 stars). 2 submissions from 2 submitters: Uncertain significance (2). Last evaluated 2025-12-10.

Conditions:
Hereditary pancreatitis (PCTT). Also called: Hereditary chronic pancreatitis; PRSS1-Related Hereditary Pancreatitis. Identifiers: Orphanet 676, MedGen C0238339, MONDO:0008185, OMIM 167800.

Allele frequency attached by ClinVar (database versions not stated): 1000 Genomes Project below 0.00001; gnomAD exomes 0.00001 and 0.00002; ExAC 0.00002; gnomAD 0.00003; TOPMed 0.00003; ESP Exome Variant Server 0.00008.
gnomAD v4.1: 17 of 1,614,038 alleles (0.0011%); highest among the groups gnomAD compares: African/African-American, 0.0053%; no homozygotes.

Submissions (2):

Ambry Genetics
Classification: Uncertain significance for Hereditary pancreatitis. Last evaluated: 2025-12-10. Review status: criteria provided, single submitter. Criteria: Ambry Variant Classification Scheme 2023. Collection method: clinical testing. Allele origin: germline.
Comment: The p.R237C variant (also known as c.709C>T), located in coding exon 7 of the CPA1 gene, results from a C to T substitution at nucleotide position 709. The arginine at codon 237 is replaced by cysteine, an amino acid with highly dissimilar properties. This variant has been detected in two individuals with pancreatic cancer, who had no history of pancreatitis. In vitro studies have shown that this alteration caused reduced protein secretion, induced endoplasmic reticulum stress, and reduced enzyme activity in transfected HEK 293T cells (Tamura K et al. Proc Natl Acad Sci U S A, 2018 05;115:4767-4772). This amino acid position is highly conserved in available vertebrate species. In addition, the in silico prediction for this alteration is inconclusive. Since supporting evidence is limited at this time, the clinical significance of this alteration remains unclear.

Labcorp Genetics (formerly Invitae), Labcorp
Classification: Uncertain significance. Last evaluated: 2024-05-22. Review status: criteria provided, single submitter. Criteria: Invitae Variant Classification Sherloc (09022015). Collection method: clinical testing. Allele origin: germline.
Comment: This sequence change replaces arginine, which is basic and polar, with cysteine, which is neutral and slightly polar, at codon 237 of the CPA1 protein (p.Arg237Cys). This variant is present in population databases (rs184981267, gnomAD 0.004%). This missense change has been observed in individual(s) with pancreatic cancer (PMID: 29669919). ClinVar contains an entry for this variant (Variation ID: 956624). Advanced modeling of protein sequence and biophysical properties (such as structural, functional, and spatial information, amino acid conservation, physicochemical variation, residue mobility, and thermodynamic stability) performed at Invitae indicates that this missense variant is expected to disrupt CPA1 protein function with a positive predictive value of 80%. Experimental studies have shown that this missense change affects CPA1 function (PMID: 29669919). In summary, the available evidence is currently insufficient to determine the role of this variant in disease. Therefore, it has been classified as a Variant of Uncertain Significance.

Literature cited by the submitters: PubMed 29669919 (cited by Ambry Genetics and Labcorp Genetics (formerly Invitae), Labcorp).